The following is an entry in ClinVar:

NM_022765.4(MICAL1):c.1072C>A (p.Gln358Lys)

Gene: MICAL1 (microtubule associated monooxygenase, calponin and LIM domain containing 1; minus strand). Cytogenetic location: 6q21.
Variant type: single nucleotide variant.
Coding change: c.1072C>A on transcript NM_022765.4 (MANE Select); coding-DNA position 1072, C replaced by A.
Protein change: p.Gln358Lys; replaces glutamine 358 with lysine.
Molecular consequence: missense variant. On other transcripts: intron variant (1).
Genome position (GRCh38, 1-based): chr6:109,450,419, G>T on the plus strand (C>A on the coding strand, the complement: MICAL1 is on the minus strand). VCF-style: chr6-109450419-G-T. GRCh37 (hg19) VCF-style: chr6-109771622-G-T.
Other names: c.1129C>A, p.Gln377Lys (NM_001286613.2); c.934-334C>A (NM_001159291.2); short protein forms Q358K, Q377K.
Identifiers: ClinVar variation 3642717 (VCV003642717.2).

ClinVar aggregate classification (germline): Uncertain significance (1 of 4 stars; one submission).

Submission:

Labcorp Genetics (formerly Invitae), Labcorp
Classification: Uncertain significance. Last evaluated: 2024-04-01. Review status: criteria provided, single submitter. Criteria: Invitae Variant Classification Sherloc (09022015). Collection method: clinical testing. Allele origin: germline.
Comment: This sequence change replaces glutamine, which is neutral and polar, with lysine, which is basic and polar, at codon 377 of the MICAL1 protein (p.Gln377Lys). This variant is not present in population databases (gnomAD no frequency). This variant has not been reported in the literature in individuals affected with MICAL1-related conditions. An algorithm developed to predict the effect of missense changes on protein structure and function (PolyPhen-2) suggests that this variant is likely to be tolerated. In summary, the available evidence is currently insufficient to determine the role of this variant in disease. Therefore, it has been classified as a Variant of Uncertain Significance.